The following is an entry in ClinVar:

ClinVar aggregate classification (germline): Uncertain significance. Review status: criteria provided, multiple submitters, no conflicts (2 of 4 stars). 2 submissions from 2 submitters: Uncertain significance (2). Last evaluated 2024-05-29.

Conditions:
Inborn genetic diseases. Identifiers: MedGen C0950123, MeSH D030342.

gnomAD v4.1: 11 of 1,132,178 alleles (0.00097%); highest among the groups gnomAD compares: Non-Finnish European, 0.0012%; no homozygotes.

Submissions (2):

Ambry Genetics
Classification: Uncertain significance for Inborn genetic diseases. Last evaluated: 2024-05-29. Review status: criteria provided, single submitter. Criteria: Ambry Variant Classification Scheme 2023. Collection method: clinical testing. Allele origin: germline.

Labcorp Genetics (formerly Invitae), Labcorp
Classification: Uncertain significance. Last evaluated: 2022-08-16. Review status: criteria provided, single submitter. Criteria: Invitae Variant Classification Sherloc (09022015). Collection method: clinical testing. Allele origin: germline.
Comment: ClinVar contains an entry for this variant (Variation ID: 1494545). In summary, the available evidence is currently insufficient to determine the role of this variant in disease. Therefore, it has been classified as a Variant of Uncertain Significance. Advanced modeling of protein sequence and biophysical properties (such as structural, functional, and spatial information, amino acid conservation, physicochemical variation, residue mobility, and thermodynamic stability) performed at Invitae indicates that this missense variant is not expected to disrupt KMT2A protein function. This variant has not been reported in the literature in individuals affected with KMT2A-related conditions. The frequency data for this variant in the population databases is considered unreliable, as metrics indicate insufficient coverage at this position in the gnomAD database. This sequence change replaces proline, which is neutral and non-polar, with serine, which is neutral and polar, at codon 41 of the KMT2A protein (p.Pro41Ser).

NM_001197104.2(KMT2A):c.121C>T (p.Pro41Ser)

Gene: KMT2A (lysine methyltransferase 2A; plus strand). Cytogenetic location: 11q23.3.
Variant type: single nucleotide variant.
Coding change: c.121C>T on transcript NM_001197104.2 (MANE Select); coding-DNA position 121, C replaced by T.
Protein change: p.Pro41Ser; replaces proline 41 with serine.
Molecular consequence: missense variant.
Genome position (GRCh38, 1-based): chr11:118,436,633, C>T. VCF-style: chr11-118436633-C-T. GRCh37 (hg19) VCF-style: chr11-118307348-C-T.
Other names: c.121C>T (NM_001197104.1); c.121C>T, p.Pro41Ser (NM_005933.4); short protein forms P41S.
Identifiers: ClinVar variation 1494545 (VCV001494545.7), dbSNP rs1224934712, ClinGen allele CA382797286.
Genomic context (GRCh38, chr11:118,436,633, plus strand): 5'-GGCGGGGGGCGCCGGGGCCTAGGGGGCGCCCCGCGGCAACGCGTCCCGGCCCTGCTGCTT[C>T]CCCCCGGGCCCCCGGTCGGCGGTGGCGGCCCCGGGGCGCCCCCCTCCCCCCCGGCTGTGG-3'
Protein context (NP_001184033.1, residues 31-51): PRQRVPALLL[Pro41Ser]PGPPVGGGGP